The following is an entry in ClinVar:

ClinVar aggregate classification (germline): Uncertain significance (1 of 4 stars; one submission).

Submission:

GeneDx
Classification: Uncertain significance. Last evaluated: 2026-03-23. Review status: criteria provided, single submitter. Criteria: GeneDx Variant Classification Process June 2021. Collection method: clinical testing. Allele origin: germline.
Comment: Not observed at significant frequency in large population cohorts (gnomAD); In silico analysis supports that this missense variant has a deleterious effect on protein structure/function; Has not been previously published as pathogenic or benign to our knowledge

NM_001366145.2(TRPM3):c.2946G>T (p.Arg982Ser)

Gene: TRPM3 (transient receptor potential cation channel subfamily M member 3; minus strand). Cytogenetic location: 9q21.12.
Variant type: single nucleotide variant.
Coding change: c.2946G>T on transcript NM_001366145.2 (MANE Select); coding-DNA position 2946, G replaced by T.
Protein change: p.Arg982Ser; replaces arginine 982 with serine.
Molecular consequence: missense variant.
Genome position (GRCh38, 1-based): chr9:70,598,521, C>A on the plus strand (G>T on the coding strand, the complement: TRPM3 is on the minus strand). VCF-style: chr9-70598521-C-A. GRCh37 (hg19) VCF-style: chr9-73213437-C-A.
Other names: c.2910G>T, p.Arg970Ser (NM_001366151.2, NM_001007471.4); c.2916G>T, p.Arg972Ser (NM_001366141.2, NM_001366143.2, NM_001366149.2); c.2952G>T, p.Arg984Ser (NM_001366142.2); c.2946G>T, p.Arg982Ser (NM_001366146.2); c.3021G>T, p.Arg1007Ser (NM_001366147.2, NM_001366152.2); c.2991G>T, p.Arg997Ser (NM_001366148.2); c.2880G>T, p.Arg960Ser (NM_001366150.2); c.2487G>T, p.Arg829Ser (NM_001366154.2, NM_024971.7); and 5 more; short protein forms R1007S, R807S, R817S, R819S, R829S, R832S, R842S, R960S.
Identifiers: ClinVar variation 5016915 (VCV005016915.1).